The following is an entry in ClinVar:

ClinVar aggregate classification (germline): Conflicting classifications of pathogenicity. Review status: criteria provided, conflicting classifications (1 of 4 stars). 2 submissions from 2 submitters: Uncertain significance (1); Likely benign (1). Last evaluated 2026-03-20.

Conditions:
Cardiovascular phenotype. Identifiers: MedGen CN230736.

Allele frequency attached by ClinVar (database versions not stated): TOPMed 0.00001; gnomAD 0.00001; gnomAD exomes 0.00001; ExAC 0.00017.
gnomAD v4.1: 13 of 1,519,690 alleles (0.00086%); highest among the groups gnomAD compares: Middle Eastern, 0.019%; no homozygotes.

Submissions (2):

Ambry Genetics
Classification: Likely benign for Cardiovascular phenotype. Last evaluated: 2026-03-20. Review status: criteria provided, single submitter. Criteria: Ambry Variant Classification Scheme 2023. Collection method: clinical testing. Allele origin: germline.

Labcorp Genetics (formerly Invitae), Labcorp
Classification: Uncertain significance. Last evaluated: 2022-08-06. Review status: criteria provided, single submitter. Criteria: Invitae Variant Classification Sherloc (09022015). Collection method: clinical testing. Allele origin: germline.
Comment: This sequence change replaces glycine, which is neutral and non-polar, with serine, which is neutral and polar, at codon 977 of the ZNF469 protein (p.Gly977Ser). This variant is present in population databases (rs770061832, gnomAD 0.02%). This variant has not been reported in the literature in individuals affected with ZNF469-related conditions. Algorithms developed to predict the effect of missense changes on protein structure and function (SIFT, PolyPhen-2, Align-GVGD) all suggest that this variant is likely to be tolerated. In summary, the available evidence is currently insufficient to determine the role of this variant in disease. Therefore, it has been classified as a Variant of Uncertain Significance.

NM_001367624.2(ZNF469):c.2929G>A (p.Gly977Ser)

Gene: ZNF469 (zinc finger protein 469; plus strand). Cytogenetic location: 16q24.2.
Variant type: single nucleotide variant.
Coding change: c.2929G>A on transcript NM_001367624.2 (MANE Select); coding-DNA position 2929, G replaced by A.
Protein change: p.Gly977Ser; replaces glycine 977 with serine.
Molecular consequence: missense variant.
Genome position (GRCh38, 1-based): chr16:88,430,399, G>A. VCF-style: chr16-88430399-G-A. GRCh37 (hg19) VCF-style: chr16-88496807-G-A.
Other names: NM_001127464.1:c.2929G>A; short protein forms G977S.
Identifiers: ClinVar variation 1912840 (VCV001912840.3), dbSNP rs770061832, ClinGen allele CA8224815.